The following is an entry in ClinVar:

ClinVar aggregate classification (germline): Pathogenic/Likely pathogenic. Review status: criteria provided, multiple submitters, no conflicts (2 of 4 stars). 4 submissions from 4 submitters: Pathogenic (2); Likely pathogenic (2). Last evaluated 2025-11-25.

Conditions:
Bardet-Biedl syndrome (BBS). Identifiers: Orphanet 110, MedGen C0752166, MONDO:0015229.
Bardet-Biedl syndrome 12 (BBS12). Identifiers: Orphanet 110, MedGen C1859570, MONDO:0014440, OMIM 615989.

Allele frequency attached by ClinVar (database versions not stated): gnomAD exomes below 0.00001; TOPMed below 0.00001.
gnomAD v4.1: 1 of 1,614,092 alleles (0.000062%); highest among the groups gnomAD compares: Admixed American, 0.0017%; no homozygotes.

Submissions (4):

Natera, Inc.
Classification: Likely pathogenic for Bardet-Biedl syndrome type 12. Last evaluated: 2025-11-25. Review status: criteria provided, single submitter. Criteria: Natera Variant Classification Schema (03/2026). Collection method: clinical testing. Allele origin: germline.
Comment: The c.1733C>A variant in BBS12 is a nonsense variant predicted to introduce a stop codon at amino acid 578. This variant is expected to result in nonsense mediated decay, truncation, or a dysfunctional protein product. This variant is rare in the general population with a frequency below the threshold expected for the associated phenotype(s). This variant has been observed in one or more individuals affected with the associated recessive disease, as either homozygous or compound heterozygous with a second variant (PMID: 21344540). Given the available evidence, this variant is classified as Likely Pathogenic.

Fulgent Genetics
Classification: Likely pathogenic for Bardet-Biedl syndrome 12. Last evaluated: 2024-05-11. Review status: criteria provided, single submitter. Criteria: ACMG Guidelines, 2015. Collection method: clinical testing. Allele origin: germline.

Baylor Genetics
Classification: Pathogenic for Bardet-Biedl syndrome 12. Last evaluated: 2023-08-07. Review status: criteria provided, single submitter. Criteria: ACMG Guidelines, 2015. Collection method: clinical testing. Allele origin: unknown.

Labcorp Genetics (formerly Invitae), Labcorp
Classification: Pathogenic for Bardet-Biedl syndrome. Last evaluated: 2022-09-17. Review status: criteria provided, single submitter. Criteria: Invitae Variant Classification Sherloc (09022015). Collection method: clinical testing. Allele origin: germline.
Comment: For these reasons, this variant has been classified as Pathogenic. This variant disrupts a region of the BBS12 protein in which other variant(s) (p.Asp687Valfs*3) have been determined to be pathogenic (Invitae). This suggests that this is a clinically significant region of the protein, and that variants that disrupt it are likely to be disease-causing. ClinVar contains an entry for this variant (Variation ID: 1458879). This premature translational stop signal has been observed in individual(s) with clinical features of Bardet-Biedl syndrome (PMID: 21344540). This variant is not present in population databases (gnomAD no frequency). This sequence change creates a premature translational stop signal (p.Ser578*) in the BBS12 gene. While this is not anticipated to result in nonsense mediated decay, it is expected to disrupt the last 133 amino acid(s) of the BBS12 protein.

Literature cited by the submitters: PubMed 21344540 (cited by Natera, Inc. and Labcorp Genetics (formerly Invitae), Labcorp).

NM_152618.3(BBS12):c.1733C>A (p.Ser578Ter)

Gene: BBS12 (Bardet-Biedl syndrome 12; plus strand). Cytogenetic location: 4q27.
Variant type: single nucleotide variant.
Coding change: c.1733C>A on transcript NM_152618.3 (MANE Select); coding-DNA position 1733, C replaced by A.
Protein change: p.Ser578Ter; replaces serine 578 with a stop codon.
Molecular consequence: nonsense.
Genome position (GRCh38, 1-based): chr4:122,743,625, C>A. VCF-style: chr4-122743625-C-A. GRCh37 (hg19) VCF-style: chr4-123664780-C-A.
Other names: c.1733C>A (NM_152618.2); c.1733C>A, p.Ser578Ter (NM_001178007.2); short protein forms S578*.
Identifiers: ClinVar variation 1458879 (VCV001458879.10), dbSNP rs1800931751, ClinGen allele CA358225758.